The following is an entry in ClinVar:

ClinVar aggregate classification (germline): Uncertain significance (1 of 4 stars; one submission).

Conditions:
RYR1-related disorder. Also called: RYR1-related condition; RYR1-related disorders. Identifiers: MedGen CN239331.

Submission:

Labcorp Genetics (formerly Invitae), Labcorp
Classification: Uncertain significance for RYR1-related disorder. Last evaluated: 2024-01-18. Review status: criteria provided, single submitter. Criteria: Invitae Variant Classification Sherloc (09022015). Collection method: clinical testing. Allele origin: germline.
Comment: This sequence change replaces alanine, which is neutral and non-polar, with threonine, which is neutral and polar, at codon 4267 of the RYR1 protein (p.Ala4267Thr). This variant is not present in population databases (gnomAD no frequency). This variant has not been reported in the literature in individuals affected with RYR1-related conditions. Advanced modeling of protein sequence and biophysical properties (such as structural, functional, and spatial information, amino acid conservation, physicochemical variation, residue mobility, and thermodynamic stability) performed at Invitae indicates that this missense variant is not expected to disrupt RYR1 protein function with a negative predictive value of 95%. In summary, the available evidence is currently insufficient to determine the role of this variant in disease. Therefore, it has been classified as a Variant of Uncertain Significance.

NM_000540.3(RYR1):c.12799G>A (p.Ala4267Thr)

Gene: RYR1 (ryanodine receptor 1; plus strand). Cytogenetic location: 19q13.2.
Variant type: single nucleotide variant.
Coding change: c.12799G>A on transcript NM_000540.3 (MANE Select); coding-DNA position 12799, G replaced by A.
Protein change: p.Ala4267Thr; replaces alanine 4267 with threonine.
Molecular consequence: missense variant.
Genome position (GRCh38, 1-based): chr19:38,565,133, G>A. VCF-style: chr19-38565133-G-A. GRCh37 (hg19) VCF-style: chr19-39055773-G-A.
Other names: c.12784G>A, p.Ala4262Thr (NM_001042723.2); short protein forms A4262T, A4267T.
Identifiers: ClinVar variation 2894937 (VCV002894937.1), dbSNP rs1298428273, ClinGen allele CA405671182.